The following is an entry in ClinVar:

NM_020989.4(CRYGC):c.502C>T (p.Arg168Trp)

Genes: CRYGC (crystallin gamma C; minus strand), LOC100507443 (uncharacterized LOC100507443; plus strand). Cytogenetic location: 2q33.3.
Variant type: single nucleotide variant.
Coding change: c.502C>T on transcript NM_020989.4 (MANE Select); coding-DNA position 502, C replaced by T.
Protein change: p.Arg168Trp; replaces arginine 168 with tryptophan.
Molecular consequence: missense variant.
Genome position (GRCh38, 1-based): chr2:208,128,226, G>A on the plus strand (C>T on the coding strand, the complement: CRYGC is on the minus strand). VCF-style: chr2-208128226-G-A. GRCh37 (hg19) VCF-style: chr2-208992950-G-A.
Other names: short protein forms R168W.
Identifiers: ClinVar variation 16945 (VCV000016945.13), dbSNP rs28931604, ClinGen allele CA210560.

ClinVar aggregate classification (germline): Conflicting classifications of pathogenicity. Review status: criteria provided, conflicting classifications (1 of 4 stars). 4 submissions from 4 submitters: Uncertain significance (2); Likely benign (1). 1 of the submissions does not count toward it. Last evaluated 2026-01-06.

Conditions:
Cataract 2, multiple types (CTRCT2). Also called: CATARACT 2, NUCLEAR; CATARACT 2, ZONULAR PULVERULENT; CATARACT 2, MULTIPLE TYPES, WITH OR WITHOUT MICROCORNEA; CATARACT 2, NUCLEAR, WITH MICROCORNEA. Identifiers: Orphanet 91492, MedGen C4721890, MONDO:0100436, OMIM 604307.
Nuclear pulverulent cataract (CTRCT2). Identifiers: MedGen C1852438, HP:0010698.

Allele frequency attached by ClinVar (database versions not stated): 1000 Genomes Project 0.00260; gnomAD 0.00004 and 0.00033; TOPMed 0.00024; gnomAD exomes 0.00158; ExAC 0.00166; 1000 Genomes Project 30x 0.00234.
gnomAD v4.1: 1,083 of 1,614,202 alleles (0.067%); highest among the groups gnomAD compares: South Asian, 1.1%; 19 homozygotes.

Submissions (4):

Labcorp Genetics (formerly Invitae), Labcorp
Classification: Uncertain significance for Nuclear pulverulent cataract. Last evaluated: 2026-01-06. Review status: criteria provided, single submitter. Criteria: Invitae Variant Classification Sherloc (09022015). Collection method: clinical testing. Allele origin: germline.
Comment: This sequence change replaces arginine, which is basic and polar, with tryptophan, which is neutral and slightly polar, at codon 168 of the CRYGC protein (p.Arg168Trp). This variant is present in population databases (rs28931604, gnomAD 1.2%), including at least one homozygous and/or hemizygous individual. This missense change has been observed in individual(s) with congenital cataracts (PMID: 17679936, 18587492). It has also been observed to segregate with disease in related individuals. ClinVar contains an entry for this variant (Variation ID: 16945). An algorithm developed to predict the effect of missense changes on protein structure and function (PolyPhen-2) suggests that this variant is likely to be disruptive. In summary, the available evidence is currently insufficient to determine the role of this variant in disease. Therefore, it has been classified as a Variant of Uncertain Significance.

Mendelics
Classification: Uncertain significance for Cataract 2, multiple types. Last evaluated: 2019-05-28. Review status: criteria provided, single submitter. Criteria: Mendelics Assertion Criteria 2017. Collection method: clinical testing. Allele origin: unknown.

Broad Center for Mendelian Genomics, Broad Institute of MIT and Harvard
Classification: Likely benign for Cataract 2, multiple types. Review status: criteria provided, single submitter. Criteria: ACMG Guidelines, 2015. Collection method: research. Allele origin: germline. Inheritance: Autosomal dominant inheritance. Affected: yes.
Comment: The heterozygous p.Arg168Trp variant in CRYGC has been identified in 2 relatives from 1 family with cataracts (PMID: 12011157), but has also been identified in >1% of chromosomes and 7 homozygotes by ExAC. In summary, although additional studies are required to fully establish its clinical significance, this variant meets criteria to be classified as likely benign for autosomal dominant cataracts.

OMIM
Classification: Uncertain significance for RECLASSIFIED - VARIANT OF UNKNOWN SIGNIFICANCE. Last evaluated: 2007-07-26. Review status: no assertion criteria provided. Collection method: literature only. Allele origin: germline. Not counted in ClinVar's aggregate classification.

Literature cited by the submitters: PubMed 17679936 (cited by Labcorp Genetics (formerly Invitae), Labcorp and OMIM); PubMed 18587492 (cited by Labcorp Genetics (formerly Invitae), Labcorp); PubMed 12011157 (cited by Broad Center for Mendelian Genomics, Broad Institute of MIT and Harvard and OMIM); PubMed 27535533 (cited by OMIM).